The following is an entry in ClinVar:

ClinVar aggregate classification (germline): Conflicting classifications of pathogenicity. Review status: criteria provided, conflicting classifications (1 of 4 stars). 5 submissions from 5 submitters: Uncertain significance (1); Likely benign (3). 1 of the submissions does not count toward it. Last evaluated 2026-01-28.

Conditions:
CNTN2-related disorder. Also called: CNTN2-related condition.
Epilepsy, familial adult myoclonic, 5 (EPEO5). Also called: CORTICAL MYOCLONIC TREMOR WITH EPILEPSY, FAMILIAL, 5. Identifiers: Orphanet 86814, MedGen C3809374, MONDO:0014167, OMIM 615400.

Allele frequency attached by ClinVar (database versions not stated): gnomAD 0.00224 and 0.00226; TOPMed 0.00250; 1000 Genomes Project 0.00260; 1000 Genomes Project 30x 0.00265; ESP Exome Variant Server 0.00308.

Submissions (5):

Labcorp Genetics (formerly Invitae), Labcorp
Classification: Likely benign for Epilepsy, familial adult myoclonic, 5. Last evaluated: 2026-01-28. Review status: criteria provided, single submitter. Criteria: Invitae Variant Classification Sherloc (09022015). Collection method: clinical testing. Allele origin: germline.

Women's Health and Genetics/Laboratory Corporation of America, LabCorp
Classification: Likely benign. Last evaluated: 2025-11-14. Review status: criteria provided, single submitter. Criteria: LabCorp Variant Classification Summary - May 2015. Collection method: clinical testing. Allele origin: germline.
Comment: Variant summary: CNTN2 c.505C>T (p.Leu169Phe) results in a non-conservative amino acid change in the encoded protein sequence. Algorithms developed to predict the effect of missense changes on protein structure and function are either unavailable or do not agree on the potential impact of this missense change. The variant allele was found at a frequency of 0.0026 in 251318 control chromosomes in the gnomAD database, including 1 homozygotes. The observed variant frequency exceeds the estimated maximal expected allele frequency for disease-causing variants in CNTN2. To our knowledge, no occurrence of c.505C>T in individuals affected with CNTN2-related conditions and no experimental evidence demonstrating its impact on protein function have been reported. ClinVar contains an entry for this variant (Variation ID: 445932). Based on the evidence outlined above, the variant was classified as likely benign.

CeGaT Center for Human Genetics Tuebingen
Classification: Likely benign. Last evaluated: 2024-05-01. Review status: criteria provided, single submitter. Criteria: CeGaT Center For Human Genetics Tuebingen Variant Classification Criteria Version 2. Collection method: clinical testing. Allele origin: germline. Affected: yes. Observed: 2 variant alleles.
Comment: CNTN2: BS2

Center for Pediatric Genomic Medicine, Children's Mercy Hospital and Clinics
Classification: Uncertain significance. Last evaluated: 2017-03-09. Review status: criteria provided, single submitter. Criteria: ACMG Guidelines, 2015. Collection method: clinical testing. Allele origin: germline.

PreventionGenetics, part of Exact Sciences
Classification: Likely benign for CNTN2-related condition. Last evaluated: 2020-01-09. Review status: no assertion criteria provided. Collection method: clinical testing. Allele origin: germline. Not counted in ClinVar's aggregate classification.
Comment: This variant is classified as likely benign based on ACMG/AMP sequence variant interpretation guidelines (Richards et al. 2015 PMID: 25741868, with internal and published modifications).

NM_005076.5(CNTN2):c.505C>T (p.Leu169Phe)

Gene: CNTN2 (contactin 2; plus strand). Cytogenetic location: 1q32.1.
Variant type: single nucleotide variant.
Coding change: c.505C>T on transcript NM_005076.5 (MANE Select); coding-DNA position 505, C replaced by T.
Protein change: p.Leu169Phe; replaces leucine 169 with phenylalanine.
Molecular consequence: missense variant. On other transcripts: non-coding transcript variant (1).
Genome position (GRCh38, 1-based): chr1:205,059,101, C>T. VCF-style: chr1-205059101-C-T. GRCh37 (hg19) VCF-style: chr1-205028229-C-T.
Other names: c.505C>T (NM_005076.4); c.505C>T, p.Leu169Phe (NM_001346083.2); short protein forms L169F.
Identifiers: ClinVar variation 445932 (VCV000445932.54), dbSNP rs142502980, ClinGen allele CA1351067.